The following is an entry in ClinVar:

NM_006642.5(SDCCAG8):c.1397T>G (p.Met466Arg)

Gene: SDCCAG8 (SHH signaling and ciliogenesis regulator SDCCAG8; plus strand). Cytogenetic location: 1q43.
Variant type: single nucleotide variant.
Coding change: c.1397T>G on transcript NM_006642.5 (MANE Select); coding-DNA position 1397, T replaced by G.
Protein change: p.Met466Arg; replaces methionine 466 with arginine.
Molecular consequence: missense variant.
Genome position (GRCh38, 1-based): chr1:243,344,255, T>G. VCF-style: chr1-243344255-T-G. GRCh37 (hg19) VCF-style: chr1-243507557-T-G.
Other names: c.494T>G, p.Met165Arg (NM_001350246.2, NM_001350247.2, NM_001350251.2); c.1493T>G, p.Met498Arg (NM_001350248.2); c.1103T>G, p.Met368Arg (NM_001350249.2); short protein forms M466R, M165R, M498R, M368R.
Identifiers: ClinVar variation 1477126 (VCV001477126.6), dbSNP rs2147791053, ClinGen allele CA345475886.
Genomic context (GRCh38, chr1:243,344,255, plus strand): 5'-AGTTTTTTACAATCTAACAGGTGTGTGGAGAAATGCGCTATCAGCTGAATAAAACCAACA[T>G]GGAGAAGGATGAGGCAGAAAAGGAGCACAGAGAGTTCAGAGCAAAAACTAACAGGGATCT-3'
Protein context (NP_006633.1, residues 456-476): EMRYQLNKTN[Met466Arg]EKDEAEKEHR

ClinVar aggregate classification (germline): Uncertain significance (1 of 4 stars; one submission).

Conditions:
Senior-Loken syndrome 7 (SLSN7). Identifiers: Orphanet 3156, MedGen C3150877, MONDO:0013326, OMIM 613615.
Bardet-Biedl syndrome 16 (BBS16). Identifiers: Orphanet 110, MedGen C3889474, MONDO:0014444, OMIM 615993.

Submission:

Labcorp Genetics (formerly Invitae), Labcorp
Classification: Uncertain significance for Bardet-Biedl syndrome 16; Senior-Loken syndrome 7. Last evaluated: 2021-12-04. Review status: criteria provided, single submitter. Criteria: Invitae Variant Classification Sherloc (09022015). Collection method: clinical testing. Allele origin: germline.
Comment: This sequence change replaces methionine, which is neutral and non-polar, with arginine, which is basic and polar, at codon 466 of the SDCCAG8 protein (p.Met466Arg). This variant is not present in population databases (gnomAD no frequency). This variant has not been reported in the literature in individuals affected with SDCCAG8-related conditions. Algorithms developed to predict the effect of missense changes on protein structure and function are either unavailable or do not agree on the potential impact of this missense change (SIFT: "Deleterious"; PolyPhen-2: "Possibly Damaging"; Align-GVGD: "Class C0"). In summary, the available evidence is currently insufficient to determine the role of this variant in disease. Therefore, it has been classified as a Variant of Uncertain Significance.